The following is an entry in ClinVar:

ClinVar aggregate classification (germline): Uncertain significance (1 of 4 stars; one submission).

Conditions:
Phelan-McDermid syndrome. Also called: Phelan-McDermid Syndrome-SHANK3 Related; TELOMERIC 22q13 MONOSOMY SYNDROME; 22q13.3 deletion syndrome. Identifiers: Orphanet 48652, MedGen C1853490, MONDO:0011652, OMIM 606232.

Submission:

Laboratorio de Genetica e Diagnostico Molecular, Hospital Israelita Albert Einstein
Classification: Uncertain significance for Phelan-McDermid syndrome. Last evaluated: 2022-12-14. Review status: criteria provided, single submitter. Criteria: ACMG Guidelines, 2015. Collection method: clinical testing. Allele origin: germline. Affected: yes. Observed: 1 variant allele.
Comment: ACMG classification criteria: PM2 moderated

NM_001372044.2(SHANK3):c.155G>A (p.Gly52Glu)

Gene: SHANK3 (SH3 and multiple ankyrin repeat domains 3; plus strand). Cytogenetic location: 22q13.33.
Variant type: single nucleotide variant.
Coding change: c.155G>A on transcript NM_001372044.2 (MANE Select); coding-DNA position 155, G replaced by A.
Protein change: p.Gly52Glu; replaces glycine 52 with glutamic acid.
Molecular consequence: missense variant.
Genome position (GRCh38, 1-based): chr22:50,674,569, G>A. VCF-style: chr22-50674569-G-A. GRCh37 (hg19) VCF-style: chr22-51112997-G-A.
Other names: short protein forms G52E.
Identifiers: ClinVar variation 2431481 (VCV002431481.1), dbSNP rs2518367780, ClinGen allele CA2580099938.